The following is an entry in ClinVar:

NM_012082.4(ZFPM2):c.860A>G (p.Asn287Ser)

Genes: ZFPM2 (zinc finger protein, FOG family member 2; plus strand), ZFPM2-AS1 (ZFPM2 antisense RNA 1; minus strand). Cytogenetic location: 8q23.1.
Variant type: single nucleotide variant.
Coding change: c.860A>G on transcript NM_012082.4 (MANE Select); coding-DNA position 860, A replaced by G.
Protein change: p.Asn287Ser; replaces asparagine 287 with serine.
Molecular consequence: missense variant.
Genome position (GRCh38, 1-based): chr8:105,798,844, A>G. VCF-style: chr8-105798844-A-G. GRCh37 (hg19) VCF-style: chr8-106811072-A-G.
Other names: c.701A>G, p.Asn234Ser (NM_001362836.2); c.464A>G, p.Asn155Ser (NM_001362837.2); short protein forms N155S, N234S, N287S.
Identifiers: ClinVar variation 2714515 (VCV002714515.3), dbSNP rs766134060, ClinGen allele CA4839649.

ClinVar aggregate classification (germline): Uncertain significance (1 of 4 stars; one submission).

Conditions:
46,XY sex reversal 9 (SRXY9). Also called: 46,XY SEX REVERSAL, ZFPM2-RELATED. Identifiers: Orphanet 251510, MedGen C4015129, MONDO:0014480, OMIM 616067.

Allele frequency attached by ClinVar (database versions not stated): gnomAD 0.00001; TOPMed 0.00002; gnomAD exomes 0.00004; ExAC 0.00008.
gnomAD v4.1: 52 of 1,613,856 alleles (0.0032%); highest among the groups gnomAD compares: South Asian, 0.033%; no homozygotes.

Submission:

Labcorp Genetics (formerly Invitae), Labcorp
Classification: Uncertain significance for 46,XY sex reversal 9. Last evaluated: 2024-01-28. Review status: criteria provided, single submitter. Criteria: Invitae Variant Classification Sherloc (09022015). Collection method: clinical testing. Allele origin: germline.
Comment: This sequence change replaces asparagine, which is neutral and polar, with serine, which is neutral and polar, at codon 287 of the ZFPM2 protein (p.Asn287Ser). This variant is present in population databases (rs766134060, gnomAD 0.04%), and has an allele count higher than expected for a pathogenic variant. This variant has not been reported in the literature in individuals affected with ZFPM2-related conditions. Algorithms developed to predict the effect of missense changes on protein structure and function output the following: SIFT: "Not Available"; PolyPhen-2: "Benign"; Align-GVGD: "Not Available". The serine amino acid residue is found in multiple mammalian species, which suggests that this missense change does not adversely affect protein function. In summary, the available evidence is currently insufficient to determine the role of this variant in disease. Therefore, it has been classified as a Variant of Uncertain Significance.